The following is an entry in ClinVar:

NM_001378183.1(PIEZO2):c.2014A>G (p.Met672Val)

Gene: PIEZO2 (piezo type mechanosensitive ion channel component 2; minus strand). Cytogenetic location: 18p11.22.
Variant type: single nucleotide variant.
Coding change: c.2014A>G on transcript NM_001378183.1 (MANE Select); coding-DNA position 2014, A replaced by G.
Protein change: p.Met672Val; replaces methionine 672 with valine.
Molecular consequence: missense variant.
Genome position (GRCh38, 1-based): chr18:10,789,234, T>C on the plus strand (A>G on the coding strand, the complement: PIEZO2 is on the minus strand). VCF-style: chr18-10789234-T-C. GRCh37 (hg19) VCF-style: chr18-10789232-T-C.
Other names: c.2014A>G, p.Met672Val (NM_001410871.1, NM_022068.4); short protein forms M672V.
Identifiers: ClinVar variation 4883545 (VCV004883545.2).
Genomic context (GRCh38, chr18:10,789,234, plus strand): 5'-CGCAGACGTAGATCCAGTACTTGATGAACATGGCCACCACCAGATTGCCCAGGACTTTCA[T>C]GATGTCCTGCTCATCTTCTTCTTCAGCTTCCTCTTGCTCTACCTTCTTTCTCTCTTGCTT-3'
Protein context (NP_001365112.1, residues 662-682): EAEEEDEQDI[Met672Val]KVLGNLVVAM

ClinVar aggregate classification (germline): Uncertain significance (1 of 4 stars; one submission).

Submission:

Dasa
Classification: Uncertain significance. Last evaluated: 2025-01-23. Review status: criteria provided, single submitter. Criteria: DASA Assertion Criteria. Collection method: clinical testing. Allele origin: germline.
Comment: NM_001378183.1(PIEZO2):c.2014A>G (p.Met672Val) is a missense variant that results in the substitution of methionine with valine. This variant is absent from population databases. Computational prediction algorithms are consistent with a benign effect. The currently available literature and clinical evidence are not sufficient to establish a definitive association between this variant and the reported condition. Therefore, this variant is classified as a variant of uncertain significance.